The following is an entry in ClinVar:

ClinVar aggregate classification (germline): Uncertain significance (1 of 4 stars; one submission).

Submission:

GeneDx
Classification: Uncertain significance. Last evaluated: 2023-01-17. Review status: criteria provided, single submitter. Criteria: GeneDx Variant Classification Process June 2021. Collection method: clinical testing. Allele origin: germline. Affected: yes.
Comment: Not observed at significant frequency in large population cohorts (gnomAD); Frameshift variant predicted to result in protein truncation or nonsense mediated decay in a gene or region of a gene for which loss of function is not a well-established mechanism of disease; Has not been previously published as pathogenic or benign to our knowledge; Variants in candidate genes are classified as variants of uncertain significance in accordance with ACMG guidelines (Richards et al., 2015)

NM_001395159.1(UNC79):c.2731dup (p.Glu911fs)

Gene: UNC79 (unc-79 homolog, NALCN channel complex subunit; plus strand). Cytogenetic location: 14q32.12.
Variant type: Duplication.
Coding change: c.2731dup on transcript NM_001395159.1 (MANE Select); coding-DNA position 2731, one base duplicated (G; older notation c.2731dupG).
Protein change: p.Glu911fs; shifts the reading frame from glutamic acid 911.
Molecular consequence: frameshift variant.
Genome position (GRCh38, 1-based): chr14:93,582,272, G duplicated; the last of 4 consecutive G bases (chr14:93,582,269-93,582,272); duplicating any one gives the same sequence. VCF-style (leftmost placement, unchanged base first): chr14-93582268-A-AG. GRCh37 (hg19) VCF-style: chr14-94048614-A-AG.
Other names: c.2731dup, p.Glu911fs (NM_001346218.2); c.2200dup, p.Glu734fs (NM_020818.5); short protein forms E734fs, E911fs.
Identifiers: ClinVar variation 2575839 (VCV002575839.1), dbSNP rs2549015909, ClinGen allele CA2580613742.